The following is an entry in ClinVar:

ClinVar aggregate classification (germline): Uncertain significance (1 of 4 stars; one submission).

Submission:

Labcorp Genetics (formerly Invitae), Labcorp
Classification: Uncertain significance. Last evaluated: 2025-08-08. Review status: criteria provided, single submitter. Criteria: Invitae Variant Classification Sherloc (09022015). Collection method: clinical testing. Allele origin: germline.
Comment: This sequence change replaces methionine, which is neutral and non-polar, with valine, which is neutral and non-polar, at codon 161 of the ADIPOR1 protein (p.Met161Val). This variant is not present in population databases (gnomAD no frequency). This variant has not been reported in the literature in individuals affected with ADIPOR1-related conditions. An algorithm developed to predict the effect of missense changes on protein structure and function (PolyPhen-2) suggests that this variant is likely to be tolerated. In summary, the available evidence is currently insufficient to determine the role of this variant in disease. Therefore, it has been classified as a Variant of Uncertain Significance.

NM_015999.6(ADIPOR1):c.481A>G (p.Met161Val)

Gene: ADIPOR1 (adiponectin receptor 1; minus strand). Cytogenetic location: 1q32.1.
Variant type: single nucleotide variant.
Coding change: c.481A>G on transcript NM_015999.6 (MANE Select); coding-DNA position 481, A replaced by G.
Protein change: p.Met161Val; replaces methionine 161 with valine.
Molecular consequence: missense variant.
Genome position (GRCh38, 1-based): chr1:202,945,119, T>C on the plus strand (A>G on the coding strand, the complement: ADIPOR1 is on the minus strand). VCF-style: chr1-202945119-T-C. GRCh37 (hg19) VCF-style: chr1-202914247-T-C.
Other names: c.481A>G, p.Met161Val (NM_001290553.2, NM_001290557.1, NM_001290629.1); short protein forms M161V.
Identifiers: ClinVar variation 4724323 (VCV004724323.1).